The following is an entry in ClinVar:

ClinVar aggregate classification (germline): Uncertain significance (1 of 4 stars; one submission).

Allele frequency attached by ClinVar (database versions not stated): gnomAD exomes below 0.00001.
gnomAD v4.1: 6 of 1,609,510 alleles (0.00037%); highest among the groups gnomAD compares: Non-Finnish European, 0.00051%; no homozygotes.

Submission:

Labcorp Genetics (formerly Invitae), Labcorp
Classification: Uncertain significance. Last evaluated: 2022-11-29. Review status: criteria provided, single submitter. Criteria: Invitae Variant Classification Sherloc (09022015). Collection method: clinical testing. Allele origin: germline.
Comment: This variant is not present in population databases (gnomAD no frequency). This variant has not been reported in the literature in individuals affected with ZNF408-related conditions. ClinVar contains an entry for this variant (Variation ID: 1372447). Algorithms developed to predict the effect of missense changes on protein structure and function are either unavailable or do not agree on the potential impact of this missense change (SIFT: "Deleterious"; PolyPhen-2: "Benign"; Align-GVGD: "Class C0"). In summary, the available evidence is currently insufficient to determine the role of this variant in disease. Therefore, it has been classified as a Variant of Uncertain Significance. This sequence change replaces leucine, which is neutral and non-polar, with proline, which is neutral and non-polar, at codon 87 of the ZNF408 protein (p.Leu87Pro).

NM_024741.3(ZNF408):c.260T>C (p.Leu87Pro)

Gene: ZNF408 (zinc finger protein 408; plus strand). Cytogenetic location: 11p11.2.
Variant type: single nucleotide variant.
Coding change: c.260T>C on transcript NM_024741.3 (MANE Select); coding-DNA position 260, T replaced by C.
Protein change: p.Leu87Pro; replaces leucine 87 with proline.
Molecular consequence: missense variant.
Genome position (GRCh38, 1-based): chr11:46,701,606, T>C. VCF-style: chr11-46701606-T-C. GRCh37 (hg19) VCF-style: chr11-46723156-T-C.
Other names: c.236T>C, p.Leu79Pro (NM_001184751.2); short protein forms L79P, L87P.
Identifiers: ClinVar variation 1372447 (VCV001372447.6), dbSNP rs1276511095, ClinGen allele CA380251844.